The following is an entry in ClinVar:

ClinVar aggregate classification (germline): Uncertain significance. Review status: criteria provided, multiple submitters, no conflicts (2 of 4 stars). 2 submissions from 2 submitters: Uncertain significance (2). Last evaluated 2026-04-13.

Conditions:
Inborn genetic diseases. Identifiers: MedGen C0950123, MeSH D030342.
TMEM67-related disorder. Also called: TMEM67-related condition; TMEM67-related disorders. Identifiers: MedGen CN239423.

Submissions (2):

PreventionGenetics, part of Exact Sciences
Classification: Uncertain significance for TMEM67-related condition. Last evaluated: 2026-04-13. Review status: criteria provided, single submitter. Criteria: ACMG Guidelines, 2015. Collection method: clinical testing. Allele origin: germline.
Comment: The TMEM67 c.1588G>T variant is predicted to result in the amino acid substitution p.Val530Leu. To our knowledge, this variant has not been reported in the literature or in a large population database (gnomAD), indicating this variant is rare. At this time, the clinical significance of this variant is uncertain due to the absence of conclusive functional and genetic evidence.

Ambry Genetics
Classification: Uncertain significance for Inborn genetic diseases. Last evaluated: 2026-03-02. Review status: criteria provided, single submitter. Criteria: Ambry Variant Classification Scheme 2023. Collection method: clinical testing. Allele origin: germline.

NM_153704.6(TMEM67):c.1588G>T (p.Val530Leu)

Gene: TMEM67 (transmembrane protein 67; plus strand). Cytogenetic location: 8q22.1.
Variant type: single nucleotide variant.
Coding change: c.1588G>T on transcript NM_153704.6 (MANE Select); coding-DNA position 1588, G replaced by T.
Protein change: p.Val530Leu; replaces valine 530 with leucine.
Molecular consequence: missense variant. On other transcripts: non-coding transcript variant (1).
Genome position (GRCh38, 1-based): chr8:93,793,210, G>T. VCF-style: chr8-93793210-G-T. GRCh37 (hg19) VCF-style: chr8-94805438-G-T.
Other names: c.1345G>T, p.Val449Leu (NM_001142301.1); short protein forms V449L, V530L.
Identifiers: ClinVar variation 4840769 (VCV004840769.2).
Genomic context (GRCh38, chr8:93,793,210, plus strand): 5'-CCGATGACAGAAATTACATAAATTCTCAATTGTTCTTTTGTTTTTTAGATTGCTTTGGGT[G>T]TATTGGGTGGGCTAGCTGTTTTAGCATCTCTTTTGAAGACAGCAGGATGGAAGAGGCGCA-3'
Protein context (NP_714915.3, residues 520-540): AHVQTDIALG[Val530Leu]LGGLAVLASL